The following is an entry in ClinVar:

ClinVar aggregate classification (germline): Uncertain significance (1 of 4 stars; one submission).

Conditions:
SLC3A1-related disorder. Also called: SLC3A1-related condition.

gnomAD v4.1: 1 of 1,614,218 alleles (0.000062%); highest among the groups gnomAD compares: East Asian, 0.0022%; no homozygotes.

Submission:

PreventionGenetics, part of Exact Sciences
Classification: Uncertain significance for SLC3A1-related condition. Last evaluated: 2024-10-27. Review status: criteria provided, single submitter. Criteria: ACMG Guidelines, 2015. Collection method: clinical testing. Allele origin: germline.
Comment: The SLC3A1 c.389C>T variant is predicted to result in the amino acid substitution p.Ser130Phe. To our knowledge, this variant has not been reported in the literature or in a large population database (gnomAD), indicating this variant is rare. A different amino acid substitution at this position (p.Ser130Pro) has been reported in a cohort study of individuals with cystinuria (Font-Llitjos et al. 2005. PubMed ID: 15635077). At this time, the clinical significance of this variant is uncertain due to the absence of conclusive functional and genetic evidence.

NM_000341.4(SLC3A1):c.389C>T (p.Ser130Phe)

Gene: SLC3A1 (solute carrier family 3 member 1; plus strand). Cytogenetic location: 2p21.
Variant type: single nucleotide variant.
Coding change: c.389C>T on transcript NM_000341.4 (MANE Select); coding-DNA position 389, C replaced by T.
Protein change: p.Ser130Phe; replaces serine 130 with phenylalanine.
Molecular consequence: missense variant.
Genome position (GRCh38, 1-based): chr2:44,275,924, C>T. VCF-style: chr2-44275924-C-T. GRCh37 (hg19) VCF-style: chr2-44503063-C-T.
Other names: short protein forms S130F.
Identifiers: ClinVar variation 4983857 (VCV004983857.1).